The following is an entry in ClinVar:

ClinVar aggregate classification (germline): Uncertain significance (1 of 4 stars; one submission).

Conditions:
Inborn genetic diseases. Identifiers: MedGen C0950123, MeSH D030342.

Submission:

Ambry Genetics
Classification: Uncertain significance for Inborn genetic diseases. Last evaluated: 2024-10-23. Review status: criteria provided, single submitter. Criteria: Ambry Variant Classification Scheme 2023. Collection method: clinical testing. Allele origin: germline.
Comment: The p.K307E variant (also known as c.919A>G), located in coding exon 9 of the MDH2 gene, results from an A to G substitution at nucleotide position 919. The lysine at codon 307 is replaced by glutamic acid, an amino acid with similar properties. This amino acid position is conserved. In addition, the in silico prediction for this alteration is inconclusive. Based on the available evidence, the clinical significance of this variant remains unclear.

NM_005918.4(MDH2):c.919A>G (p.Lys307Glu)

Gene: MDH2 (malate dehydrogenase 2; plus strand). Cytogenetic location: 7q11.23.
Variant type: single nucleotide variant.
Coding change: c.919A>G on transcript NM_005918.4 (MANE Select); coding-DNA position 919, A replaced by G.
Protein change: p.Lys307Glu; replaces lysine 307 with glutamic acid.
Molecular consequence: missense variant.
Genome position (GRCh38, 1-based): chr7:76,066,312, A>G. VCF-style: chr7-76066312-A-G. GRCh37 (hg19) VCF-style: chr7-75695630-A-G.
Other names: c.793A>G, p.Lys265Glu (NM_001282403.2); c.598A>G, p.Lys200Glu (NM_001282404.2); short protein forms K265E, K307E, K200E.
Identifiers: ClinVar variation 3394077 (VCV003394077.1).